The following is an entry in ClinVar:

ClinVar aggregate classification (germline): Uncertain significance (1 of 4 stars; one submission).

Submission:

Ambry Genetics
Classification: Uncertain significance. Last evaluated: 2024-04-23. Review status: criteria provided, single submitter. Criteria: Ambry Variant Classification Scheme 2023. Collection method: clinical testing. Allele origin: germline.
Comment: The p.V112L variant (also known as c.334G>C), located in coding exon 3 of the RECQL gene, results from a G to C substitution at nucleotide position 334. The valine at codon 112 is replaced by leucine, an amino acid with highly similar properties. This amino acid position is conserved. In addition, this alteration is predicted to be tolerated by in silico analysis. Based on the available evidence, the clinical significance of this variant remains unclear.

NM_002907.4(RECQL):c.334G>C (p.Val112Leu)

Gene: RECQL (RecQ like helicase; minus strand). Cytogenetic location: 12p12.1.
Variant type: single nucleotide variant.
Coding change: c.334G>C on transcript NM_002907.4 (MANE Select); coding-DNA position 334, G replaced by C.
Protein change: p.Val112Leu; replaces valine 112 with leucine.
Molecular consequence: missense variant.
Genome position (GRCh38, 1-based): chr12:21,490,259, C>G on the plus strand (G>C on the coding strand, the complement: RECQL is on the minus strand). VCF-style: chr12-21490259-C-G. GRCh37 (hg19) VCF-style: chr12-21643193-C-G.
Other names: c.334G>C, p.Val112Leu (NM_032941.3); short protein forms V112L.
Identifiers: ClinVar variation 3313506 (VCV003313506.1).